The following is an entry in ClinVar:

ClinVar aggregate classification (germline): Uncertain significance. Review status: criteria provided, multiple submitters, no conflicts (2 of 4 stars). 2 submissions from 2 submitters: Uncertain significance (2). Last evaluated 2021-09-19.

Conditions:
Nemaline myopathy 2 (NEM2). Also called: Nemaline myopathy 2, autosomal recessive. Identifiers: MedGen C1850569, MONDO:0009725, OMIM 256030.

Allele frequency attached by ClinVar (database versions not stated): TOPMed below 0.00001.

Submissions (2):

Labcorp Genetics (formerly Invitae), Labcorp
Classification: Uncertain significance for Nemaline myopathy 2. Last evaluated: 2021-09-19. Review status: criteria provided, single submitter. Criteria: Invitae Variant Classification Sherloc (09022015). Collection method: clinical testing. Allele origin: germline.
Comment: This sequence change falls in intron 70 of the NEB gene. It does not directly change the encoded amino acid sequence of the NEB protein. It affects a nucleotide within the consensus splice site of the intron. This variant is not present in population databases (ExAC no frequency). This variant has not been reported in the literature in individuals affected with NEB-related conditions. Variants that disrupt the consensus splice site are a relatively common cause of aberrant splicing (PMID: 17576681, 9536098). In summary, the available evidence is currently insufficient to determine the role of this variant in disease. Therefore, it has been classified as a Variant of Uncertain Significance.

Breakthrough Genomics
Classification: Uncertain significance. Review status: criteria provided, single submitter. Criteria: ACMG Guidelines, 2015. Collection method: not provided. Allele origin: germline. Inheritance: Autosomal recessive inheritance. Affected: yes.

Literature cited by the submitters: PubMed 17576681 (cited by Labcorp Genetics (formerly Invitae), Labcorp); PubMed 9536098 (cited by Labcorp Genetics (formerly Invitae), Labcorp).

NM_001164508.2(NEB):c.10347+3G>A

Gene: NEB (nebulin; minus strand). Cytogenetic location: 2q23.3.
Variant type: single nucleotide variant.
Coding change: c.10347+3G>A on transcript NM_001164508.2 (MANE Select); 3 bases into the intron after coding-DNA position 10347, G replaced by A.
Molecular consequence: intron variant.
Genome position (GRCh38, 1-based): chr2:151,626,999, C>T on the plus strand (G>A on the coding strand, the complement: NEB is on the minus strand). VCF-style: chr2-151626999-C-T. GRCh37 (hg19) VCF-style: chr2-152483513-C-T.
Other names: c.9618+3G>A (NM_004543.5); c.10347+3G>A (NM_001164507.2, NM_001271208.2).
Identifiers: ClinVar variation 1423082 (VCV001423082.4), dbSNP rs1226603362, ClinGen allele CA1298200720.